The following is an entry in ClinVar:

ClinVar aggregate classification (germline): Uncertain significance (1 of 4 stars; one submission).

Conditions:
Emery-Dreifuss muscular dystrophy (EDMD). Also called: Scapuloperoneal syndrome, X-linked (formerly); Humeroperoneal neuromuscular disease, (formerly). Identifiers: Orphanet 261, MedGen C0410189, MONDO:0016830.

Allele frequency attached by ClinVar (database versions not stated): gnomAD exomes below 0.00001.
gnomAD v4.1: 1 of 1,607,606 alleles (0.000062%); highest among the groups gnomAD compares: Admixed American, 0.0017%; no homozygotes.

Submission:

Labcorp Genetics (formerly Invitae), Labcorp
Classification: Uncertain significance for Emery-Dreifuss muscular dystrophy. Last evaluated: 2022-08-09. Review status: criteria provided, single submitter. Criteria: Invitae Variant Classification Sherloc (09022015). Collection method: clinical testing. Allele origin: germline.
Comment: This variant is present in population databases (no rsID available, gnomAD 0.003%). This sequence change replaces leucine, which is neutral and non-polar, with valine, which is neutral and non-polar, at codon 247 of the SUN1 protein (p.Leu247Val). This variant has not been reported in the literature in individuals affected with SUN1-related conditions. ClinVar contains an entry for this variant (Variation ID: 1414417). Algorithms developed to predict the effect of missense changes on protein structure and function are either unavailable or do not agree on the potential impact of this missense change (SIFT: "Tolerated"; PolyPhen-2: "Possibly Damaging"; Align-GVGD: "Class C0"). In summary, the available evidence is currently insufficient to determine the role of this variant in disease. Therefore, it has been classified as a Variant of Uncertain Significance.

NM_001130965.3(SUN1):c.739C>G (p.Leu247Val)

Gene: SUN1 (Sad1 and UNC84 domain containing 1; plus strand). Cytogenetic location: 7p22.3.
Variant type: single nucleotide variant.
Coding change: c.739C>G on transcript NM_001130965.3 (MANE Select); coding-DNA position 739, C replaced by G.
Protein change: p.Leu247Val; replaces leucine 247 with valine.
Molecular consequence: missense variant. On other transcripts: synonymous variant (1), intron variant (12), non-coding transcript variant (3).
Genome position (GRCh38, 1-based): chr7:851,464, C>G. VCF-style: chr7-851464-C-G. GRCh37 (hg19) VCF-style: chr7-891101-C-G.
Other names: c.739C>G, p.Leu247Val (NM_001367634.1, NM_001367665.1, NM_001367672.1 and 3 more transcripts); c.393C>G, p.Gly131= (NM_001367635.1); c.982C>G, p.Leu328Val (NM_001367636.1, NM_001367666.1, NM_001367691.1 and 1 more transcripts); c.850C>G, p.Leu284Val (NM_001367638.1, NM_001367696.1, NM_001367664.1 and 1 more transcripts); c.283C>G, p.Leu95Val (NM_001367639.1); c.1021C>G, p.Leu341Val (NM_001367641.1, NM_001367682.1, NM_001367698.1); c.934C>G, p.Leu312Val (NM_001367643.1, NM_001367693.1, NM_001367697.1); c.673C>G, p.Leu225Val (NM_001367644.1, NM_001367680.1, NM_001367701.1); and 24 more; short protein forms L225V, L234V, L197V, L221V, L247V, L256V, L263V, L291V.
Identifiers: ClinVar variation 1414417 (VCV001414417.8), dbSNP rs1368322510, ClinGen allele CA366528931.
Genomic context (GRCh38, chr7:851,464, plus strand): 5'-CTGCGCAGGATCGGAGCTGTGGGCCAGGCTGTGTCCAGGACGGCGTGGTCGGCCCTTTGG[C>G]TGGCCGTGGTTGCTCCAGGTGGCTATTTTGGGTTTCTGTGTTGCGTTCTCTCCAGAGCTT-3'
Protein context (NP_001124437.1, residues 237-257): VSRTAWSALW[Leu247Val]AVVAPGKAAS